The following is an entry in ClinVar:

NM_024753.5(TTC21B):c.3637del (p.Tyr1213fs)

Gene: TTC21B (tetratricopeptide repeat domain 21B; minus strand). Cytogenetic location: 2q24.3.
Variant type: Deletion.
Coding change: c.3637del on transcript NM_024753.5 (MANE Select); coding-DNA position 3637, one base deleted (T; older notation c.3637delT).
Protein change: p.Tyr1213fs; shifts the reading frame from tyrosine 1213.
Molecular consequence: frameshift variant.
Genome position (GRCh38, 1-based): chr2:165,883,841, A deleted on the plus strand (T on the coding strand, the reverse complement: TTC21B is on the minus strand). VCF-style (leftmost placement, unchanged base first): chr2-165883840-TA-T. GRCh37 (hg19) VCF-style: chr2-166740350-TA-T.
Other names: short protein forms Y1213fs.
Identifiers: ClinVar variation 4880533 (VCV004880533.2).

ClinVar aggregate classification (germline): Likely pathogenic (1 of 4 stars; one submission).

Submission:

Dasa
Classification: Likely pathogenic. Last evaluated: 2026-04-28. Review status: criteria provided, single submitter. Criteria: DASA Assertion Criteria. Collection method: clinical testing. Allele origin: germline.
Comment: NM_024753.5(TTC21B):c.3637del (p.Tyr1213Metfs*8) is a frameshift variant in TTC21B predicted to alter the reading frame and introduce a premature termination codon and is predicted to result in an absent or altered protein product. Loss of function is an established disease mechanism for TTC21B-associated disorders. Also, this variant is rare in population databases. Based on the currently available evidence, this variant is classified as likely pathogenic.